The following is an entry in ClinVar:

ClinVar aggregate classification (germline): Uncertain significance. Review status: criteria provided, multiple submitters, no conflicts (2 of 4 stars). 2 submissions from 2 submitters: Uncertain significance (2). Last evaluated 2022-01-28.

Conditions:
Autosomal dominant hypocalcemia 1 (HYPOC1). Also called: HYPOCALCEMIA, FAMILIAL. Identifiers: MedGen C3715128, MONDO:0011013, OMIM 601198.
Familial hypocalciuric hypercalcemia (FHH). Also called: Familial benign hypercalcemia. Identifiers: Orphanet 405, MedGen C1809471, MONDO:0018458.
Nephrolithiasis/nephrocalcinosis. Identifiers: MedGen CN580796.

Submissions (2):

Ambry Genetics
Classification: Uncertain significance for Nephrolithiasis/nephrocalcinosis. Last evaluated: 2022-01-28. Review status: criteria provided, single submitter. Criteria: Ambry Variant Classification Scheme 2023. Collection method: clinical testing. Allele origin: germline.
Comment: The p.R205G variant (also known as c.613C>G), located in coding exon 3 of the CASR gene, results from a C to G substitution at nucleotide position 613. The arginine at codon 205 is replaced by glycine, an amino acid with dissimilar properties. This amino acid position is conserved. In addition, the in silico prediction for this alteration is inconclusive. Since supporting evidence is limited at this time, the clinical significance of this alteration remains unclear.

Labcorp Genetics (formerly Invitae), Labcorp
Classification: Uncertain significance for Familial hypocalciuric hypercalcemia; Autosomal dominant hypocalcemia 1. Last evaluated: 2019-08-13. Review status: criteria provided, single submitter. Criteria: Invitae Variant Classification Sherloc (09022015). Collection method: clinical testing. Allele origin: germline.
Comment: Algorithms developed to predict the effect of missense changes on protein structure and function are either unavailable or do not agree on the potential impact of this missense change (SIFT: "Deleterious"; PolyPhen-2: "Benign"; Align-GVGD: "Class C15"). In summary, the available evidence is currently insufficient to determine the role of this variant in disease. Therefore, it has been classified as a Variant of Uncertain Significance. This variant has not been reported in the literature in individuals with CASR-related conditions. This variant is not present in population databases (ExAC no frequency). This sequence change replaces arginine with glycine at codon 205 of the CASR protein (p.Arg205Gly). The arginine residue is highly conserved and there is a moderate physicochemical difference between arginine and glycine.

NM_000388.4(CASR):c.613C>G (p.Arg205Gly)

Gene: CASR (calcium sensing receptor; plus strand). Cytogenetic location: 3q21.1.
Variant type: single nucleotide variant.
Coding change: c.613C>G on transcript NM_000388.4 (MANE Select); coding-DNA position 613, C replaced by G.
Protein change: p.Arg205Gly; replaces arginine 205 with glycine.
Molecular consequence: missense variant.
Genome position (GRCh38, 1-based): chr3:122,261,648, C>G. VCF-style: chr3-122261648-C-G. GRCh37 (hg19) VCF-style: chr3-121980495-C-G.
Other names: c.613C>G, p.Arg205Gly (NM_001178065.2); short protein forms R205G.
Identifiers: ClinVar variation 956927 (VCV000956927.12), dbSNP rs775751453, ClinGen allele CA354150968.